The following is an entry in ClinVar:

ClinVar aggregate classification (germline): Pathogenic (1 of 4 stars; one submission).

Conditions:
Hypohidrotic X-linked ectodermal dysplasia (XHED). Also called: Christ Siemens Touraine syndrome; Anhidrotic ectodermal dysplasia X-linked; ECTODERMAL DYSPLASIA, HYPOHIDROTIC, 1; CST SYNDROME; Ectodermal Dysplasia 1, Anhidrotic; ECTODERMAL DYSPLASIA 1. Identifiers: Orphanet 181, Orphanet 238468, MedGen C0162359, MONDO:0010585, OMIM 305100.

Submission:

Labcorp Genetics (formerly Invitae), Labcorp
Classification: Pathogenic for Hypohidrotic X-linked ectodermal dysplasia. Last evaluated: 2023-12-09. Review status: criteria provided, single submitter. Criteria: Invitae Variant Classification Sherloc (09022015). Collection method: clinical testing. Allele origin: germline.
Comment: This sequence change affects an acceptor splice site in intron 1 of the EDA gene. It is expected to disrupt RNA splicing. Variants that disrupt the donor or acceptor splice site typically lead to a loss of protein function (PMID: 16199547), and loss-of-function variants in EDA are known to be pathogenic (PMID: 9683615). This variant is not present in population databases (gnomAD no frequency). Disruption of this splice site has been observed in individuals with ectodermal dysplasia (PMID: 20979233; Invitae). Algorithms developed to predict the effect of sequence changes on RNA splicing suggest that this variant may disrupt the consensus splice site. For these reasons, this variant has been classified as Pathogenic.

Literature cited by the submitters: PubMed 16199547; PubMed 9683615; PubMed 20979233.

NM_001399.5(EDA):c.397-1G>C

Gene: EDA (ectodysplasin A; plus strand). Cytogenetic location: Xq13.1.
Variant type: single nucleotide variant.
Coding change: c.397-1G>C on transcript NM_001399.5 (MANE Select); the canonical splice acceptor site of the intron before coding-DNA position 397, G replaced by C.
Molecular consequence: splice acceptor variant.
Genome position (GRCh38, 1-based): chrX:69,957,026, G>C. VCF-style: chrX-69957026-G-C. GRCh37 (hg19) VCF-style: chrX-69176876-G-C.
Other names: c.397-1G>C (NM_001005609.2, NM_001005612.3).
Identifiers: ClinVar variation 2701931 (VCV002701931.3), dbSNP rs2520242345, ClinGen allele CA413447806.